The following is an entry in ClinVar:

ClinVar aggregate classification (germline): Uncertain significance (1 of 4 stars; one submission).

Conditions:
Progressive myoclonic epilepsy. Also called: Familial progressive myoclonic epilepsy; Myoclonus epilepsy; Progressive myoclonus epilepsy; Myoclonic Epilepsies, Progressive. Identifiers: Orphanet 308, Orphanet 98261, MedGen C0751778, MONDO:0020074.

Allele frequency attached by ClinVar (database versions not stated): gnomAD 0.00001; TOPMed 0.00002.
gnomAD v4.1: 3 of 1,612,620 alleles (0.00019%); highest among the groups gnomAD compares: Admixed American, 0.0017%; no homozygotes.

Submission:

Labcorp Genetics (formerly Invitae), Labcorp
Classification: Uncertain significance for Progressive myoclonic epilepsy. Last evaluated: 2023-08-04. Review status: criteria provided, single submitter. Criteria: Invitae Variant Classification Sherloc (09022015). Collection method: clinical testing. Allele origin: germline.
Comment: This sequence change replaces tyrosine, which is neutral and polar, with histidine, which is basic and polar, at codon 222 of the SCARB2 protein (p.Tyr222His). This variant is not present in population databases (gnomAD no frequency). This variant has not been reported in the literature in individuals affected with SCARB2-related conditions. ClinVar contains an entry for this variant (Variation ID: 845032). Advanced modeling of protein sequence and biophysical properties (such as structural, functional, and spatial information, amino acid conservation, physicochemical variation, residue mobility, and thermodynamic stability) has been performed at Invitae for this missense variant, however the output from this modeling did not meet the statistical confidence thresholds required to predict the impact of this variant on SCARB2 protein function. In summary, the available evidence is currently insufficient to determine the role of this variant in disease. Therefore, it has been classified as a Variant of Uncertain Significance.

NM_005506.4(SCARB2):c.664T>C (p.Tyr222His)

Gene: SCARB2 (scavenger receptor class B member 2; minus strand). Cytogenetic location: 4q21.1.
Variant type: single nucleotide variant.
Coding change: c.664T>C on transcript NM_005506.4 (MANE Select); coding-DNA position 664, T replaced by C.
Protein change: p.Tyr222His; replaces tyrosine 222 with histidine.
Molecular consequence: missense variant. On other transcripts: intron variant (1).
Genome position (GRCh38, 1-based): chr4:76,176,477, A>G on the plus strand (T>C on the coding strand, the complement: SCARB2 is on the minus strand). VCF-style: chr4-76176477-A-G. GRCh37 (hg19) VCF-style: chr4-77097630-A-G.
Other names: c.276-567T>C (NM_001204255.2); short protein forms Y222H.
Identifiers: ClinVar variation 845032 (VCV000845032.7), dbSNP rs1732253776, ClinGen allele CA357316521.